The following is an entry in ClinVar:

ClinVar aggregate classification (germline): Conflicting classifications of pathogenicity. Review status: criteria provided, conflicting classifications (1 of 4 stars). 3 submissions from 3 submitters: Uncertain significance (2); Likely benign (1). Last evaluated 2026-06-12.

Conditions:
Cardiovascular phenotype. Identifiers: MedGen CN230736.
Osteogenesis imperfecta type I (OI1). Also called: Lobstein disease; Classic Non-deforming Osteogenesis Imperfecta with Blue Sclerae; Osteogenesis imperfecta type 1; Lobstein's Disease; OI, TYPE I; OSTEOGENESIS IMPERFECTA TARDA. Identifiers: Orphanet 216796, Orphanet 666, MedGen C0023931, MONDO:0008146, OMIM 166200. Disease mechanism: loss of function.

Allele frequency attached by ClinVar (database versions not stated): gnomAD exomes below 0.00001; ExAC 0.00001.
gnomAD v4.1: 3 of 1,612,708 alleles (0.00019%); highest among the groups gnomAD compares: Non-Finnish European, 0.00025%; no homozygotes.

Submissions (3):

Ambry Genetics
Classification: Uncertain significance for Cardiovascular phenotype. Last evaluated: 2026-06-12. Review status: criteria provided, single submitter. Criteria: Ambry Variant Classification Scheme 2023. Collection method: clinical testing. Allele origin: germline.
Comment: The p.A1006S variant (also known as c.3016G>T), located in coding exon 41 of the COL1A1 gene, results from a G to T substitution at nucleotide position 3016. The alanine at codon 1006 is replaced by serine, an amino acid with similar properties. This amino acid position is conserved. In addition, this alteration is predicted to be tolerated by in silico analysis. Based on the available evidence, the clinical significance of this variant remains unclear.

Labcorp Genetics (formerly Invitae), Labcorp
Classification: Likely benign for Osteogenesis imperfecta type I. Last evaluated: 2025-11-11. Review status: criteria provided, single submitter. Criteria: Invitae Variant Classification Sherloc (09022015). Collection method: clinical testing. Allele origin: germline.

Blueprint Genetics
Classification: Uncertain significance. Last evaluated: 2020-07-21. Review status: criteria provided, single submitter. Criteria: ACMG Guidelines, 2015. Collection method: clinical testing. Allele origin: germline.

NM_000088.4(COL1A1):c.3016G>T (p.Ala1006Ser)

Gene: COL1A1 (collagen type I alpha 1 chain; minus strand). Cytogenetic location: 17q21.33.
Variant type: single nucleotide variant.
Coding change: c.3016G>T on transcript NM_000088.4 (MANE Select); coding-DNA position 3016, G replaced by T.
Protein change: p.Ala1006Ser; replaces alanine 1006 with serine.
Molecular consequence: missense variant.
Genome position (GRCh38, 1-based): chr17:50,188,932, C>A on the plus strand (G>T on the coding strand, the complement: COL1A1 is on the minus strand). VCF-style: chr17-50188932-C-A. GRCh37 (hg19) VCF-style: chr17-48266293-C-A.
Other names: short protein forms A1006S.
Identifiers: ClinVar variation 2172808 (VCV002172808.6), dbSNP rs746059561, ClinGen allele CA8644615.
Genomic context (GRCh38, chr17:50,188,932, plus strand): 5'-GGTACTGGCATGGGGGCTGGGGACTGCTCACCTCACGTCCAGATTCACCAGGGGGTCCAG[C>A]CAATCCAGGGGGGCCCATGGGACCAGGGGGACCACGTTCACCACTTGCTCCAGAGGGACC-3'
Protein context (NP_000079.2, residues 996-1016): PPGPMGPPGL[Ala1006Ser]GPPGESGREG